The following is an entry in ClinVar:

ClinVar aggregate classification (germline): Uncertain significance (1 of 4 stars; one submission).

Submission:

Ambry Genetics
Classification: Uncertain significance. Last evaluated: 2023-02-06. Review status: criteria provided, single submitter. Criteria: Ambry Variant Classification Scheme 2023. Collection method: clinical testing. Allele origin: germline.
Comment: The p.G207R variant (also known as c.619G>A), located in coding exon 7 of the FAM175A gene, results from a G to A substitution at nucleotide position 619. The glycine at codon 207 is replaced by arginine, an amino acid with dissimilar properties. This amino acid position is conserved. In addition, the in silico prediction for this alteration is inconclusive. Since supporting evidence is limited at this time, the clinical significance of this alteration remains unclear.

NM_139076.3(ABRAXAS1):c.619G>A (p.Gly207Arg)

Gene: ABRAXAS1 (abraxas 1, BRCA1 A complex subunit; minus strand). Cytogenetic location: 4q21.23.
Variant type: single nucleotide variant.
Coding change: c.619G>A on transcript NM_139076.3 (MANE Select); coding-DNA position 619, G replaced by A.
Protein change: p.Gly207Arg; replaces glycine 207 with arginine.
Molecular consequence: missense variant.
Genome position (GRCh38, 1-based): chr4:83,467,516, C>T on the plus strand (G>A on the coding strand, the complement: ABRAXAS1 is on the minus strand). VCF-style: chr4-83467516-C-T. GRCh37 (hg19) VCF-style: chr4-84388669-C-T.
Other names: c.292G>A, p.Gly98Arg (NM_001345962.2); short protein forms G207R, G98R.
Identifiers: ClinVar variation 2449149 (VCV002449149.2), dbSNP rs2529431444, ClinGen allele CA357258875.